The following is an entry in ClinVar:

ClinVar aggregate classification (germline): Pathogenic (1 of 4 stars; one submission).

Conditions:
Aortic aneurysm, familial thoracic 4 (AAT4). Also called: AORTIC ANEURYSM/AORTIC DISSECTION AND PATENT DUCTUS ARTERIOSUS. Identifiers: MedGen C1851504, MONDO:0007568, OMIM 132900.

Submission:

Labcorp Genetics (formerly Invitae), Labcorp
Classification: Pathogenic for Aortic aneurysm, familial thoracic 4. Last evaluated: 2025-02-04. Review status: criteria provided, single submitter. Criteria: Invitae Variant Classification Sherloc (09022015). Collection method: clinical testing. Allele origin: germline.
Comment: This sequence change creates a premature translational stop signal (p.Asp628Thrfs*14) in the MYH11 gene. It is expected to result in an absent or disrupted protein product. Loss-of-function variants in MYH11 are known to be pathogenic (PMID: 25407000, 29575632). This variant is not present in population databases (gnomAD no frequency). This variant has not been reported in the literature in individuals affected with MYH11-related conditions. For these reasons, this variant has been classified as Pathogenic.

Literature cited by the submitters: PubMed 25407000; PubMed 29575632.

NM_002474.3(MYH11):c.1861del (p.Asp621fs)

Gene: MYH11 (myosin heavy chain 11; minus strand). Cytogenetic location: 16p13.11.
Variant type: Deletion.
Coding change: c.1861del on transcript NM_002474.3 (MANE Select); coding-DNA position 1861, one base deleted (G; older notation c.1861delG).
Protein change: p.Asp621fs; shifts the reading frame from aspartic acid 621.
Molecular consequence: frameshift variant.
Genome position (GRCh38, 1-based): chr16:15,753,397, C deleted on the plus strand (G on the coding strand, the reverse complement: MYH11 is on the minus strand); the first of 2 consecutive C bases (chr16:15,753,397-15,753,398); deleting either gives the same sequence. VCF-style (leftmost placement, unchanged base first): chr16-15753396-TC-T. GRCh37 (hg19) VCF-style: chr16-15847253-TC-T.
Other names: c.1882del, p.Asp628fs (NM_001040113.2, NM_001040114.2); c.1861del, p.Asp621fs (NM_022844.3); short protein forms D621fs, D628fs.
Identifiers: ClinVar variation 4712298 (VCV004712298.1).